The following is an entry in ClinVar:

ClinVar aggregate classification (germline): Uncertain significance. Review status: criteria provided, multiple submitters, no conflicts (2 of 4 stars). 4 submissions from 4 submitters: Uncertain significance (4). Last evaluated 2025-05-24.

Conditions:
Birt-Hogg-Dube syndrome. Also called: Birt Hogg Dubé syndrome. Identifiers: Orphanet 122, MedGen C0346010, MONDO:0800444.
Hereditary cancer-predisposing syndrome. Also called: Neoplastic Syndromes, Hereditary; Hereditary neoplastic syndrome; Tumor predisposition; Hereditary Cancer Syndrome. Identifiers: Orphanet 140162, MedGen C0027672, MeSH D009386, MONDO:0015356.

Allele frequency attached by ClinVar (database versions not stated): TOPMed 0.00001; gnomAD 0.00002.
gnomAD v4.1: 3 of 1,613,548 alleles (0.00019%); highest among the groups gnomAD compares: African/African-American, 0.004%; no homozygotes.

Submissions (4):

Ambry Genetics
Classification: Uncertain significance for Hereditary cancer-predisposing syndrome. Last evaluated: 2025-05-24. Review status: criteria provided, single submitter. Criteria: Ambry Variant Classification Scheme 2023. Collection method: clinical testing. Allele origin: germline.
Comment: The p.D160Y variant (also known as c.478G>T), located in coding exon 3 of the FLCN gene, results from a G to T substitution at nucleotide position 478. The aspartic acid at codon 160 is replaced by tyrosine, an amino acid with highly dissimilar properties. This amino acid position is highly conserved in available vertebrate species. In addition, this alteration is predicted to be deleterious by in silico analysis. Based on the available evidence, the clinical significance of this variant remains unclear.

Labcorp Genetics (formerly Invitae), Labcorp
Classification: Uncertain significance for Birt-Hogg-Dube syndrome. Last evaluated: 2023-05-22. Review status: criteria provided, single submitter. Criteria: Invitae Variant Classification Sherloc (09022015). Collection method: clinical testing. Allele origin: germline.
Comment: In summary, the available evidence is currently insufficient to determine the role of this variant in disease. Therefore, it has been classified as a Variant of Uncertain Significance. Advanced modeling of protein sequence and biophysical properties (such as structural, functional, and spatial information, amino acid conservation, physicochemical variation, residue mobility, and thermodynamic stability) performed at Invitae indicates that this missense variant is expected to disrupt FLCN protein function. ClinVar contains an entry for this variant (Variation ID: 842352). This variant has not been reported in the literature in individuals affected with FLCN-related conditions. This variant is not present in population databases (gnomAD no frequency). This sequence change replaces aspartic acid, which is acidic and polar, with tyrosine, which is neutral and polar, at codon 160 of the FLCN protein (p.Asp160Tyr).

Sema4
Classification: Uncertain significance for Hereditary cancer-predisposing syndrome. Last evaluated: 2022-02-19. Review status: criteria provided, single submitter. Criteria: Sema4 Curation Guidelines. Collection method: curation. Allele origin: germline.
Comment: The FLCN c.478G>T (p.D160Y) variant has not been reported in the literature to our knowledge. This variant is not reported in the Genome Aggregation Database (PMID: 32461654). The variant has been reported in ClinVar (Variation ID: 842352). In silico tools suggest that the impact of the variant on protein function is deleterious and that the variant may have an impact on splicing, though these predictions have not been confirmed by functional studies. The evidence is insufficient to meet ACMG/AMP criteria for classifying the variant as benign or pathogenic. Thus, the clinical significance of this variant is currently uncertain.

GeneDx
Classification: Uncertain significance. Last evaluated: 2022-01-24. Review status: criteria provided, single submitter. Criteria: GeneDx Variant Classification Process June 2021. Collection method: clinical testing. Allele origin: germline. Affected: yes.
Comment: Not observed at significant frequency in large population cohorts (gnomAD); In silico analysis supports that this missense variant has a deleterious effect on protein structure/function; Has not been previously published as pathogenic or benign to our knowledge

NM_144997.7(FLCN):c.478G>T (p.Asp160Tyr)

Gene: FLCN (folliculin; minus strand). Cytogenetic location: 17p11.2.
Variant type: single nucleotide variant.
Coding change: c.478G>T on transcript NM_144997.7 (MANE Select); coding-DNA position 478, G replaced by T.
Protein change: p.Asp160Tyr; replaces aspartic acid 160 with tyrosine.
Molecular consequence: missense variant.
Genome position (GRCh38, 1-based): chr17:17,224,062, C>A on the plus strand (G>T on the coding strand, the complement: FLCN is on the minus strand). VCF-style: chr17-17224062-C-A. GRCh37 (hg19) VCF-style: chr17-17127376-C-A.
Other names: c.532G>T, p.Asp178Tyr (NM_001353229.2); c.478G>T, p.Asp160Tyr (NM_001353230.2, NM_001353231.2, NM_144606.7); short protein forms D178Y, D160Y.
Identifiers: ClinVar variation 842352 (VCV000842352.10), dbSNP rs1400112197, ClinGen allele CA398534467.
Genomic context (GRCh38, chr17:17,224,062, plus strand): 5'-TCCGGTCCATCATGATGGTGATGATGCTGTACCAGCGCTGGAAGCCCCTGGCCAGGCTGT[C>A]CTTGATGAAGAAGGTGTGGCTGAACACAAAGCCGTGCTGCTCATCTCCGAAGAAGATGGG-3'
Protein context (NP_659434.2, residues 150-170): FVFSHTFFIK[Asp160Tyr]SLARGFQRWY